The following is an entry in ClinVar:

NM_000128.4(F11):c.126C>T (p.Ser42=)

Gene: F11 (coagulation factor XI; plus strand). Cytogenetic location: 4q35.2.
Variant type: single nucleotide variant.
Coding change: c.126C>T on transcript NM_000128.4 (MANE Select); coding-DNA position 126, C replaced by T.
Protein change: p.Ser42=; no amino-acid change (serine 42 retained).
Molecular consequence: synonymous variant.
Genome position (GRCh38, 1-based): chr4:186,271,679, C>T. VCF-style: chr4-186271679-C-T. GRCh37 (hg19) VCF-style: chr4-187192833-C-T.
Other names: c.126C>T, p.Ser42= (NM_001354804.2).
Identifiers: ClinVar variation 721478 (VCV000721478.12), dbSNP rs754973084, ClinGen allele CA3163567.

ClinVar aggregate classification (germline): Likely benign. Review status: criteria provided, single submitter (1 of 4 stars). 3 submissions from 3 submitters: Likely benign (1). 2 of the submissions do not count toward it. Last evaluated 2025-11-08.

Conditions:
F11-related disorder. Also called: F11-related condition.
Plasma factor XI deficiency.

Allele frequency attached by ClinVar (database versions not stated): ExAC 0.00013; gnomAD 0.00021 and 0.00024; TOPMed 0.00021; gnomAD exomes 0.00022.
gnomAD v4.1: 159 of 1,614,028 alleles (0.0099%); highest among the groups gnomAD compares: Admixed American, 0.13%; no homozygotes.

Submissions (3):

Labcorp Genetics (formerly Invitae), Labcorp
Classification: Likely benign. Last evaluated: 2025-11-08. Review status: criteria provided, single submitter. Criteria: Invitae Variant Classification Sherloc (09022015). Collection method: clinical testing. Allele origin: germline.

PreventionGenetics, part of Exact Sciences
Classification: Likely benign for F11-related condition. Last evaluated: 2024-02-09. Review status: no assertion criteria provided. Collection method: clinical testing. Allele origin: germline. Not counted in ClinVar's aggregate classification.
Comment: This variant is classified as likely benign based on ACMG/AMP sequence variant interpretation guidelines (Richards et al. 2015 PMID: 25741868, with internal and published modifications).

Natera, Inc.
Classification: Likely benign for Plasma factor XI deficiency. Last evaluated: 2020-09-16. Review status: no assertion criteria provided. Collection method: clinical testing. Allele origin: germline. Not counted in ClinVar's aggregate classification.